The following is an entry in ClinVar:

ClinVar aggregate classification (germline): Uncertain significance. Review status: criteria provided, multiple submitters, no conflicts (2 of 4 stars). 2 submissions from 2 submitters: Uncertain significance (2). Last evaluated 2024-08-13.

Conditions:
Developmental and epileptic encephalopathy 91. Also called: EPILEPTIC ENCEPHALOPATHY, INFANTILE OR EARLY CHILDHOOD, 1. Identifiers: MedGen C4540199, MONDO:0020630, OMIM 617711.
Arthrogryposis, cleft palate, craniosynostosis, and impaired intellectual development. Identifiers: Orphanet 565858, MedGen C4748872, MONDO:0032642, OMIM 618265.

Allele frequency attached by ClinVar (database versions not stated): gnomAD exomes below 0.00001; ExAC 0.00001.
gnomAD v4.1: 4 of 1,606,200 alleles (0.00025%); highest among the groups gnomAD compares: Admixed American, 0.0017%; no homozygotes.

Submissions (2):

Labcorp Genetics (formerly Invitae), Labcorp
Classification: Uncertain significance. Last evaluated: 2024-08-13. Review status: criteria provided, single submitter. Criteria: Invitae Variant Classification Sherloc (09022015). Collection method: clinical testing. Allele origin: germline.
Comment: This sequence change replaces lysine, which is basic and polar, with arginine, which is basic and polar, at codon 219 of the PPP3CA protein (p.Lys219Arg). This variant is present in population databases (rs754775984, gnomAD 0.003%). This variant has not been reported in the literature in individuals affected with PPP3CA-related conditions. ClinVar contains an entry for this variant (Variation ID: 1379729). Advanced modeling of protein sequence and biophysical properties (such as structural, functional, and spatial information, amino acid conservation, physicochemical variation, residue mobility, and thermodynamic stability) performed at Invitae indicates that this missense variant is not expected to disrupt PPP3CA protein function with a negative predictive value of 80%. In summary, the available evidence is currently insufficient to determine the role of this variant in disease. Therefore, it has been classified as a Variant of Uncertain Significance.

Fulgent Genetics
Classification: Uncertain significance for Developmental and epileptic encephalopathy 91; Arthrogryposis, cleft palate, craniosynostosis, and impaired intellectual development. Last evaluated: 2022-04-06. Review status: criteria provided, single submitter. Criteria: ACMG Guidelines, 2015. Collection method: clinical testing. Allele origin: unknown.

NM_000944.5(PPP3CA):c.656A>G (p.Lys219Arg)

Gene: PPP3CA (protein phosphatase 3 catalytic subunit alpha; minus strand). Cytogenetic location: 4q24.
Variant type: single nucleotide variant.
Coding change: c.656A>G on transcript NM_000944.5 (MANE Select); coding-DNA position 656, A replaced by G.
Protein change: p.Lys219Arg; replaces lysine 219 with arginine.
Molecular consequence: missense variant.
Genome position (GRCh38, 1-based): chr4:101,093,902, T>C on the plus strand (A>G on the coding strand, the complement: PPP3CA is on the minus strand). VCF-style: chr4-101093902-T-C. GRCh37 (hg19) VCF-style: chr4-102015059-T-C.
Other names: c.656A>G, p.Lys219Arg (NM_001130691.2, NM_001130692.2); short protein forms K219R.
Identifiers: ClinVar variation 1379729 (VCV001379729.9), dbSNP rs754775984, ClinGen allele CA3024429.
Genomic context (GRCh38, chr4:101,093,902, plus strand): 5'-AAATCTTCCAGGGGGTCTGACCACAGGATATCACACATAGGTCCATATGCAGGTGGTTCT[T>C]TGAATCGGTCTAACTAAGAAAAATAGAAGACAGAGAGCAAAATACTAATCTTTGGAAACT-3'
Protein context (NP_000935.1, residues 209-229): LDDIRKLDRF[Lys219Arg]EPPAYGPMCD